The following is an entry in ClinVar:

NM_021267.5(CERS1):c.437G>A (p.Arg146Gln)

Genes: CERS1 (ceramide synthase 1; minus strand), GDF1 (growth differentiation factor 1; minus strand). Cytogenetic location: 19p13.11.
Variant type: single nucleotide variant.
Coding change: c.437G>A on transcript NM_021267.5 (MANE Select); coding-DNA position 437, G replaced by A.
Protein change: p.Arg146Gln; replaces arginine 146 with glutamine.
Molecular consequence: missense variant. On other transcripts: 5 prime UTR variant (2).
Genome position (GRCh38, 1-based): chr19:18,884,240, C>T on the plus strand (G>A on the coding strand, the complement: CERS1 is on the minus strand). VCF-style: chr19-18884240-C-T. GRCh37 (hg19) VCF-style: chr19-18995049-C-T.
Other names: c.143G>A, p.Arg48Gln (NM_001290265.2, NM_001387442.1, NM_001387443.1 and 2 more transcripts); c.437G>A, p.Arg146Gln (NM_001387439.1, NM_001387440.1, NM_001387441.1 and 1 more transcripts); c.-466G>A (NM_001387438.1); c.-886G>A (NM_001492.6); short protein forms R146Q, R48Q.
Identifiers: ClinVar variation 475371 (VCV000475371.8), dbSNP rs201005099, ClinGen allele CA9318259.
Genomic context (GRCh38, chr19:18,884,240, plus strand): 5'-GTAGCGTAGATGGAGTGGCCATAGAAGCTTCCCTGGAGCAGGTAGGCGGCTGCAATGTCC[C>T]GTGGCACTGCCATGCCCGGCGTCCAGTCTGGGGAGAGCCAAATCTCACAGTCAGGGCCCT-3'
Protein context (NP_067090.1, residues 136-156): YDWTPGMAVP[Arg146Gln]DIAAAYLLQG

ClinVar aggregate classification (germline): Uncertain significance (1 of 4 stars; one submission).

Conditions:
Progressive myoclonic epilepsy type 8. Identifiers: Orphanet 424027, MedGen C5190825, MONDO:0014545, OMIM 616230.

Allele frequency attached by ClinVar (database versions not stated): gnomAD 0.00003 and 0.00004; TOPMed 0.00007; gnomAD exomes 0.00012 and 0.00025; 1000 Genomes Project 0.00020; ExAC 0.00030; 1000 Genomes Project 30x 0.00031.
gnomAD v4.1: 193 of 1,613,148 alleles (0.012%); highest among the groups gnomAD compares: Middle Eastern, 0.21%; 2 homozygotes.

Submission:

Labcorp Genetics (formerly Invitae), Labcorp
Classification: Uncertain significance for Progressive myoclonic epilepsy type 8. Last evaluated: 2025-09-02. Review status: criteria provided, single submitter. Criteria: Invitae Variant Classification Sherloc (09022015). Collection method: clinical testing. Allele origin: germline.
Comment: This sequence change replaces arginine, which is basic and polar, with glutamine, which is neutral and polar, at codon 146 of the CERS1 protein (p.Arg146Gln). This variant is present in population databases (rs201005099, gnomAD 0.2%). This variant has not been reported in the literature in individuals affected with CERS1-related conditions. ClinVar contains an entry for this variant (Variation ID: 475371). Invitae Evidence Modeling of protein sequence and biophysical properties (such as structural, functional, and spatial information, amino acid conservation, physicochemical variation, residue mobility, and thermodynamic stability) indicates that this missense variant is not expected to disrupt CERS1 protein function with a negative predictive value of 80%. In summary, the available evidence is currently insufficient to determine the role of this variant in disease. Therefore, it has been classified as a Variant of Uncertain Significance.